The following is an entry in ClinVar:

NM_024757.5(EHMT1):c.87G>C (p.Glu29Asp)

Gene: EHMT1 (euchromatic histone lysine methyltransferase 1; plus strand). Cytogenetic location: 9q34.3.
Variant type: single nucleotide variant.
Coding change: c.87G>C on transcript NM_024757.5 (MANE Select); coding-DNA position 87, G replaced by C.
Protein change: p.Glu29Asp; replaces glutamic acid 29 with aspartic acid.
Molecular consequence: missense variant. On other transcripts: 5 prime UTR variant (2).
Genome position (GRCh38, 1-based): chr9:137,716,627, G>C. VCF-style: chr9-137716627-G-C. GRCh37 (hg19) VCF-style: chr9-140611079-G-C.
Other names: c.87G>C, p.Glu29Asp (NM_001145527.2, NM_001354263.2, NM_001354611.2); c.-7G>C (NM_001354259.2, NM_001354612.2); short protein forms E29D.
Identifiers: ClinVar variation 2838896 (VCV002838896.3), dbSNP rs372557187, ClinGen allele CA5374166.
Genomic context (GRCh38, chr9:137,716,627, plus strand): 5'-GTGGTGGTGCCATGGAGAGCGTGGCCTGCAGTCAGTGACACTCGTTTCTTTGTTGGCAGA[G>C]ACACCTATGGCTGCCGATGAAGGCTCAGCAGAGAAACAGGCAGGAGAGGCCCACATGGCT-3'
Protein context (NP_079033.4, residues 19-39): CCVKTELLGE[Glu29Asp]TPMAADEGSA

ClinVar aggregate classification (germline): Uncertain significance (1 of 4 stars; one submission).

Conditions:
Kleefstra syndrome 1 (KLEFS1). Identifiers: Orphanet 261494, MedGen C0795833, MONDO:0027407, OMIM 610253.

Allele frequency attached by ClinVar (database versions not stated): ExAC 0.00001; ESP Exome Variant Server 0.00008.

Submission:

Labcorp Genetics (formerly Invitae), Labcorp
Classification: Uncertain significance for Kleefstra syndrome 1. Last evaluated: 2023-02-18. Review status: criteria provided, single submitter. Criteria: Invitae Variant Classification Sherloc (09022015). Collection method: clinical testing. Allele origin: germline.
Comment: This sequence change replaces glutamic acid, which is acidic and polar, with aspartic acid, which is acidic and polar, at codon 29 of the EHMT1 protein (p.Glu29Asp). This variant is not present in population databases (gnomAD no frequency). This variant has not been reported in the literature in individuals affected with EHMT1-related conditions. Algorithms developed to predict the effect of missense changes on protein structure and function output the following: SIFT: "Not Available"; PolyPhen-2: "Benign"; Align-GVGD: "Not Available". The aspartic acid amino acid residue is found in multiple mammalian species, which suggests that this missense change does not adversely affect protein function. In summary, the available evidence is currently insufficient to determine the role of this variant in disease. Therefore, it has been classified as a Variant of Uncertain Significance.